The following is an entry in ClinVar:

ClinVar aggregate classification (germline): Benign/Likely benign. Review status: criteria provided, multiple submitters, no conflicts (2 of 4 stars). 5 submissions from 5 submitters: Benign (1); Likely benign (4). Last evaluated 2025-08-18.

Conditions:
Hereditary cancer-predisposing syndrome. Also called: Hereditary Cancer Syndrome; Tumor predisposition; Neoplastic Syndromes, Hereditary; Hereditary neoplastic syndrome. Identifiers: Orphanet 140162, MedGen C0027672, MeSH D009386, MONDO:0015356.
Ataxia-telangiectasia syndrome (AT). Also called: ATAXIA-TELANGIECTASIA, COMPLEMENTATION GROUP A; ATAXIA-TELANGIECTASIA, FRESNO VARIANT; Ataxia-telangiectasia; Ataxia-telangiectasia, complementation group E; Cerebello-oculocutaneous telangiectasia; Immunodeficiency with ataxia telangiectasia. Identifiers: Orphanet 100, MedGen C0004135, MONDO:0008840, OMIM 208900.

Allele frequency attached by ClinVar (database versions not stated): gnomAD 0.00001; TOPMed 0.00001; gnomAD exomes 0.00002.
gnomAD v4.1: 31 of 1,551,640 alleles (0.002%); highest among the groups gnomAD compares: Non-Finnish European, 0.0027%; no homozygotes.

Submissions (5):

Labcorp Genetics (formerly Invitae), Labcorp
Classification: Likely benign for Ataxia-telangiectasia syndrome. Last evaluated: 2025-08-18. Review status: criteria provided, single submitter. Criteria: Invitae Variant Classification Sherloc (09022015). Collection method: clinical testing. Allele origin: germline.

Center for Genomic Medicine, Rigshospitalet, Copenhagen University Hospital
Classification: Likely benign. Last evaluated: 2025-03-04. Review status: criteria provided, single submitter. Criteria: ACMG Guidelines, 2015. Collection method: clinical testing. Allele origin: germline.

Blueprint Genetics
Classification: Likely benign. Last evaluated: 2023-03-13. Review status: criteria provided, single submitter. Criteria: ACMG Guidelines, 2015. Collection method: clinical testing. Allele origin: germline.

Color Diagnostics, LLC DBA Color Health
Classification: Likely benign for Hereditary cancer-predisposing syndrome. Last evaluated: 2019-01-31. Review status: criteria provided, single submitter. Criteria: ACMG Guidelines, 2015. Collection method: clinical testing. Allele origin: germline.

GeneDx
Classification: Benign. Last evaluated: 2014-08-12. Review status: criteria provided, single submitter. Criteria: GeneDx Variant Classification (06012015). Collection method: clinical testing. Allele origin: germline. Affected: yes.
Comment: This variant is considered likely benign or benign based on one or more of the following criteria: it is a conservative change, it occurs at a poorly conserved position in the protein, it is predicted to be benign by multiple in silico algorithms, and/or has population frequency not consistent with disease.

NM_000051.4(ATM):c.7089+20C>T

Genes: C11orf65 (chromosome 11 open reading frame 65; minus strand), ATM (ATM serine/threonine kinase; plus strand). Cytogenetic location: 11q22.3.
Variant type: single nucleotide variant.
Coding change: c.7089+20C>T on transcript NM_000051.4 (MANE Select); 20 bases into the intron after coding-DNA position 7089, C replaced by T.
Molecular consequence: intron variant.
Genome position (GRCh38, 1-based): chr11:108,327,778, C>T. VCF-style: chr11-108327778-C-T. GRCh37 (hg19) VCF-style: chr11-108198505-C-T.
Other names: c.7089+20C>T (NM_001351834.2); c.641-18707G>A (NM_001330368.2); c.*38+7442G>A (NM_001351110.2).
Identifiers: ClinVar variation 181838 (VCV000181838.15), dbSNP rs730881275, ClinGen allele CA297965.